The following is an entry in ClinVar:

NM_015102.5(NPHP4):c.3044+30C>G

Gene: NPHP4 (nephrocystin 4; minus strand). Cytogenetic location: 1p36.31.
Variant type: single nucleotide variant.
Coding change: c.3044+30C>G on transcript NM_015102.5 (MANE Select); 30 bases into the intron after coding-DNA position 3044, C replaced by G.
Molecular consequence: intron variant.
Genome position (GRCh38, 1-based): chr1:5,874,844, G>C on the plus strand (C>G on the coding strand, the complement: NPHP4 is on the minus strand). VCF-style: chr1-5874844-G-C. GRCh37 (hg19) VCF-style: chr1-5934904-G-C.
Other names: p.?; c.1508+30C>G (NM_001291594.2); c.1505+30C>G (NM_001291593.2).
Identifiers: ClinVar variation 4683984 (VCV004683984.1).

ClinVar aggregate classification (germline): Likely benign (1 of 4 stars; one submission).

gnomAD v4.1: 4 of 1,596,796 alleles (0.00025%); highest among the groups gnomAD compares: Non-Finnish European, 0.00034%; no homozygotes.

Submission:

Mayo Clinic Laboratories, Mayo Clinic
Classification: Likely benign. Last evaluated: 2025-05-07. Review status: criteria provided, single submitter. Criteria: ACMG Guidelines, 2015. Collection method: clinical testing. Allele origin: germline. Observed: 1 variant allele.
Comment: BP4, BP7, PM2_supporting